The following is an entry in ClinVar:

NM_001349338.3(FOXP1):c.1643_1652+3del

Gene: FOXP1 (forkhead box P1; minus strand). Cytogenetic location: 3p13.
Variant type: Deletion.
Coding change: c.1643_1652+3del on transcript NM_001349338.3 (MANE Select); coding-DNA position 1643 through 3 bases into the intron after coding-DNA position 1652, 13 bases deleted (AGATCAGTGGGTA).
Molecular consequence: splice donor variant. On other transcripts: intron variant (1).
Genome position (GRCh38, 1-based): chr3:70,972,552-70,972,564, TACCCACTGATCT deleted on the plus strand (AGATCAGTGGGTA on the coding strand, the reverse complement: FOXP1 is on the minus strand); deleting any 13 consecutive bases within chr3:70,972,552-70,972,565 gives the same sequence; the c. name uses the placement nearest the transcript's 3' end. VCF-style (leftmost placement, unchanged base first): chr3-70972551-GTACCCACTGATCT-G. GRCh37 (hg19) VCF-style: chr3-71021702-GTACCCACTGATCT-G.
Other names: c.1531-384_1531-372del (NM_001244810.2); c.1643_1652+3del (NM_032682.6, NM_001349340.3, NM_001244816.2 and 1 more transcripts); c.1640_1649+3del (NM_001349341.3, NM_001244808.3); c.1415_1424+3del (NM_001244812.3); c.1340_1349+3del (NM_001349343.3, NM_001349337.2, NM_001370548.1 and 1 more transcripts); c.1343_1352+3del (NM_001349342.3, NM_001244815.2, NM_001244813.3).
Identifiers: ClinVar variation 2105939 (VCV002105939.4), dbSNP rs2545047340, ClinGen allele CA2580070413.
Genomic context (GRCh38, chr3:70,972,551, plus strand): 5'-CTCTACGTTATACTTGTTAGCACAATCCAAGCTAGGCTAAGAAGTTCAAACATGGTGGAC[GTACCCACTGATCT>G]TTTGTGGCCTTCGTTTTTGGAATTCTACTTCATCCACTGTCCATACTGCCCCTTTAACGT-3'

ClinVar aggregate classification (germline): Likely pathogenic (1 of 4 stars; one submission).

Submission:

Labcorp Genetics (formerly Invitae), Labcorp
Classification: Likely pathogenic. Last evaluated: 2022-09-06. Review status: criteria provided, single submitter. Criteria: Invitae Variant Classification Sherloc (09022015). Collection method: clinical testing. Allele origin: germline.
Comment: In summary, the currently available evidence indicates that the variant is pathogenic, but additional data are needed to prove that conclusively. Therefore, this variant has been classified as Likely Pathogenic. Algorithms developed to predict the effect of sequence changes on RNA splicing suggest that this variant may disrupt the consensus splice site. This variant has not been reported in the literature in individuals affected with FOXP1-related conditions. This variant is not present in population databases (gnomAD no frequency). This variant results in the deletion of part of exon 18 (c.1643_1652+3del) of the FOXP1 gene. It is expected to disrupt RNA splicing. Variants that disrupt the donor or acceptor splice site typically lead to a loss of protein function (PMID: 16199547), and loss-of-function variants in FOXP1 are known to be pathogenic (PMID: 28735298).

Literature cited by the submitters: PubMed 16199547; PubMed 28735298.